The following is an entry in ClinVar:

ClinVar aggregate classification (germline): Uncertain significance. Review status: criteria provided, multiple submitters, no conflicts (2 of 4 stars). 2 submissions from 2 submitters: Uncertain significance (2). Last evaluated 2021-10-06.

Conditions:
Nemaline myopathy 9 (NEM9). Identifiers: MedGen C3810384, MONDO:0014326, OMIM 615731.
Inborn genetic diseases. Identifiers: MedGen C0950123, MeSH D030342.

Allele frequency attached by ClinVar (database versions not stated): TOPMed 0.00002.
gnomAD v4.1: 19 of 1,610,470 alleles (0.0012%); highest among the groups gnomAD compares: Non-Finnish European, 0.0016%; no homozygotes.

Submissions (2):

Ambry Genetics
Classification: Uncertain significance for Inborn genetic diseases. Last evaluated: 2021-10-06. Review status: criteria provided, single submitter. Criteria: Ambry Variant Classification Scheme 2023. Collection method: clinical testing. Allele origin: germline.

Labcorp Genetics (formerly Invitae), Labcorp
Classification: Uncertain significance for Nemaline myopathy 9. Last evaluated: 2020-04-14. Review status: criteria provided, single submitter. Criteria: Invitae Variant Classification Sherloc (09022015). Collection method: clinical testing. Allele origin: germline.
Comment: In summary, the available evidence is currently insufficient to determine the role of this variant in disease. Therefore, it has been classified as a Variant of Uncertain Significance. This sequence change replaces arginine with serine at codon 597 of the KLHL41 protein (p.Arg597Ser). The arginine residue is highly conserved and there is a moderate physicochemical difference between arginine and serine. This variant is not present in population databases (ExAC no frequency). This variant has not been reported in the literature in individuals with KLHL41-related conditions. Algorithms developed to predict the effect of missense changes on protein structure and function (SIFT, PolyPhen-2, Align-GVGD) all suggest that this variant is likely to be disruptive, but these predictions have not been confirmed by published functional studies and their clinical significance is uncertain.

NM_006063.3(KLHL41):c.1789C>A (p.Arg597Ser)

Gene: KLHL41 (kelch like family member 41; plus strand). Cytogenetic location: 2q31.1.
Variant type: single nucleotide variant.
Coding change: c.1789C>A on transcript NM_006063.3 (MANE Select); coding-DNA position 1789, C replaced by A.
Protein change: p.Arg597Ser; replaces arginine 597 with serine.
Molecular consequence: missense variant.
Genome position (GRCh38, 1-based): chr2:169,525,664, C>A. VCF-style: chr2-169525664-C-A. GRCh37 (hg19) VCF-style: chr2-170382174-C-A.
Other names: c.1789C>A (NM_006063.2); short protein forms R597S.
Identifiers: ClinVar variation 1018395 (VCV001018395.10), dbSNP rs1033276582, ClinGen allele CA59951468.